The following is an entry in ClinVar:

NM_001002755.4(NFU1):c.545G>T (p.Arg182Leu)

Gene: NFU1 (NFU1 iron-sulfur cluster scaffold; minus strand). Cytogenetic location: 2p13.3.
Variant type: single nucleotide variant.
Coding change: c.545G>T on transcript NM_001002755.4 (MANE Select); coding-DNA position 545, G replaced by T.
Protein change: p.Arg182Leu; replaces arginine 182 with leucine.
Molecular consequence: missense variant. On other transcripts: non-coding transcript variant (2).
Genome position (GRCh38, 1-based): chr2:69,406,022, C>A on the plus strand (G>T on the coding strand, the complement: NFU1 is on the minus strand). VCF-style: chr2-69406022-C-A. GRCh37 (hg19) VCF-style: chr2-69633154-C-A.
Other names: c.122G>T, p.Arg41Leu (NM_001002756.2); c.473G>T, p.Arg158Leu (NM_001374284.1, NM_015700.4); short protein forms R158L, R182L, R41L.
Identifiers: ClinVar variation 1285477 (VCV001285477.4), dbSNP rs1281276965, ClinGen allele CA347123807.

ClinVar aggregate classification (germline): Likely pathogenic (1 of 4 stars; one submission).

Conditions:
Multiple mitochondrial dysfunctions syndrome 1 (MMDS1). Identifiers: Orphanet 401869, MedGen C3276432, MONDO:0011582, OMIM 605711.

Submission:

Institute of Human Genetics, University of Leipzig Medical Center
Classification: Likely pathogenic for Multiple mitochondrial dysfunctions syndrome 1. Last evaluated: 2020-12-02. Review status: criteria provided, single submitter. Criteria: ACMG Guidelines, 2015. Collection method: clinical testing. Allele origin: unknown. Affected: yes.
Comment: Criteria applied: PM5_STR,PS2_MOD,PM2_SUP,PM3_SUP,PP3